The following is an entry in ClinVar:

NM_002010.3(FGF9):c.383A>G (p.Glu128Gly)

Gene: FGF9 (fibroblast growth factor 9; plus strand). Cytogenetic location: 13q12.11.
Variant type: single nucleotide variant.
Coding change: c.383A>G on transcript NM_002010.3 (MANE Select); coding-DNA position 383, A replaced by G.
Protein change: p.Glu128Gly; replaces glutamic acid 128 with glycine.
Molecular consequence: missense variant.
Genome position (GRCh38, 1-based): chr13:21,701,191, A>G. VCF-style: chr13-21701191-A-G. GRCh37 (hg19) VCF-style: chr13-22275330-A-G.
Other names: short protein forms E128G.
Identifiers: ClinVar variation 1994456 (VCV001994456.4), dbSNP rs2542511735, ClinGen allele CA387674570.

ClinVar aggregate classification (germline): Uncertain significance (1 of 4 stars; one submission).

Submission:

Labcorp Genetics (formerly Invitae), Labcorp
Classification: Uncertain significance. Last evaluated: 2022-05-14. Review status: criteria provided, single submitter. Criteria: Invitae Variant Classification Sherloc (09022015). Collection method: clinical testing. Allele origin: germline.
Comment: This variant has not been reported in the literature in individuals affected with FGF9-related conditions. This variant is not present in population databases (gnomAD no frequency). This sequence change replaces glutamic acid, which is acidic and polar, with glycine, which is neutral and non-polar, at codon 128 of the FGF9 protein (p.Glu128Gly). Algorithms developed to predict the effect of missense changes on protein structure and function (SIFT, PolyPhen-2, Align-GVGD) all suggest that this variant is likely to be tolerated. In summary, the available evidence is currently insufficient to determine the role of this variant in disease. Therefore, it has been classified as a Variant of Uncertain Significance.